The following is an entry in ClinVar:

NM_031263.4(HNRNPK):c.560A>G (p.His187Arg)

Genes: HNRNPK (heterogeneous nuclear ribonucleoprotein K; minus strand), HNRNPK-AS1 (HNRNPK antisense RNA 1; plus strand). Cytogenetic location: 9q21.32.
Variant type: single nucleotide variant.
Coding change: c.560A>G on transcript NM_031263.4 (MANE Select); coding-DNA position 560, A replaced by G.
Protein change: p.His187Arg; replaces histidine 187 with arginine.
Molecular consequence: missense variant.
Genome position (GRCh38, 1-based): chr9:83,972,929, T>C on the plus strand (A>G on the coding strand, the complement: HNRNPK is on the minus strand). VCF-style: chr9-83972929-T-C. GRCh37 (hg19) VCF-style: chr9-86587844-T-C.
Other names: c.488A>G, p.His163Arg (NM_001318186.2, NM_001318187.2); c.560A>G, p.His187Arg (NM_001318188.2, NM_002140.5, NM_031262.4); short protein forms H163R, H187R.
Identifiers: ClinVar variation 805755 (VCV000805755.3), dbSNP rs1588420417, ClinGen allele CA373926809.

ClinVar aggregate classification (germline): Uncertain significance (1 of 4 stars; one submission).

Conditions:
Au-Kline syndrome. Also called: Neurodevelopmental disorder-craniofacial dysmorphism-cardiac defect-hip dysplasia syndrome due to a point mutation; Okamoto syndrome. Identifiers: Orphanet 2729, Orphanet 453499, Orphanet 453504, MedGen C4225274, MONDO:0014700, OMIM 616580.

Submission:

Institute of Human Genetics, University of Goettingen
Classification: Uncertain significance for AU-KLINE SYNDROME. Last evaluated: 2019-12-12. Review status: criteria provided, single submitter. Criteria: ACMG Guidelines, 2015. Collection method: clinical testing. Allele origin: de novo. Inheritance: Autosomal dominant inheritance. Affected: yes. Observed: 1 heterozygote.
Comment: For the following reasons, the HNRNPK sequence variant c.560A>G (p.His187Arg) is assessed by us as a "variant of uncertain significance" (VUS) with possibly pathogenic character: 1. the mutation has not yet been described in the literature and is not listed in any database; 2. the mutation is most likely to have occurred de novo; 3. a comparison with the ExAC and gnomAD browsers did not provide any indication that the of this sequence change is a standard variant that can also be detected by non-infected persons; 4. the variant has a pathogenic computational verdict due to 5 pathogenic predictions from DANN, EIGEN, FATHMM-MKL, MutationTaster and PrimateAI vs 4 benign predictions from DEOGEN2, M-CAP, MutationAssessor and SIFT.